The following is an entry in ClinVar:

ClinVar aggregate classification (germline): Uncertain significance. Review status: criteria provided, multiple submitters, no conflicts (2 of 4 stars). 2 submissions from 2 submitters: Uncertain significance (2). Last evaluated 2025-03-01.

Conditions:
Familial temporal lobe epilepsy 7. Identifiers: Orphanet 101046, MedGen C4225327, MONDO:0014639, OMIM 616436.
Norman-Roberts syndrome (LIS2). Also called: Lissencephaly 2 (Norman-Roberts type). Identifiers: Orphanet 89844, MedGen C0796089, MONDO:0009760, OMIM 257320.

Allele frequency attached by ClinVar (database versions not stated): gnomAD 0.00002 and 0.00003; TOPMed 0.00002; gnomAD exomes 0.00003 and 0.00006; ExAC 0.00005; ESP Exome Variant Server 0.00008.
gnomAD v4.1: 87 of 1,613,760 alleles (0.0054%); highest among the groups gnomAD compares: Non-Finnish European, 0.0068%; no homozygotes.

Submissions (2):

Labcorp Genetics (formerly Invitae), Labcorp
Classification: Uncertain significance for Familial temporal lobe epilepsy 7; Norman-Roberts syndrome. Last evaluated: 2025-03-01. Review status: criteria provided, single submitter. Criteria: Invitae Variant Classification Sherloc (09022015). Collection method: clinical testing. Allele origin: germline.
Comment: This sequence change replaces arginine, which is basic and polar, with histidine, which is basic and polar, at codon 730 of the RELN protein (p.Arg730His). This variant is present in population databases (rs370858334, gnomAD 0.006%). This variant has not been reported in the literature in individuals affected with RELN-related conditions. ClinVar contains an entry for this variant (Variation ID: 855266). Invitae Evidence Modeling of protein sequence and biophysical properties (such as structural, functional, and spatial information, amino acid conservation, physicochemical variation, residue mobility, and thermodynamic stability) indicates that this missense variant is not expected to disrupt RELN protein function with a negative predictive value of 80%. In summary, the available evidence is currently insufficient to determine the role of this variant in disease. Therefore, it has been classified as a Variant of Uncertain Significance.

Illumina Laboratory Services, Illumina
Classification: Uncertain significance for Norman-Roberts syndrome. Last evaluated: 2018-01-13. Review status: criteria provided, single submitter. Criteria: ICSL Variant Classification Criteria 13 December 2019. Collection method: clinical testing. Allele origin: germline.

NM_005045.4(RELN):c.2189G>A (p.Arg730His)

Gene: RELN (reelin; minus strand). Cytogenetic location: 7q22.1.
Variant type: single nucleotide variant.
Coding change: c.2189G>A on transcript NM_005045.4 (MANE Select); coding-DNA position 2189, G replaced by A.
Protein change: p.Arg730His; replaces arginine 730 with histidine.
Molecular consequence: missense variant.
Genome position (GRCh38, 1-based): chr7:103,636,349, C>T on the plus strand (G>A on the coding strand, the complement: RELN is on the minus strand). VCF-style: chr7-103636349-C-T. GRCh37 (hg19) VCF-style: chr7-103276796-C-T.
Other names: c.2189G>A, p.Arg730His (NM_173054.3); short protein forms R730H.
Identifiers: ClinVar variation 855266 (VCV000855266.13), dbSNP rs370858334, ClinGen allele CA4422054.
Genomic context (GRCh38, chr7:103,636,349, plus strand): 5'-TTGAAAACCAGGGCCTTACCACTGGCCAAGACACCACAACCAAAGCTGACTTCAGCACCA[C>T]GGATAGAGTAAAAGTTATGGTAAGAGGAGAGCCTGGAACTGCCAAAGCTTTCAGAAATAA-3'
Protein context (NP_005036.2, residues 720-740): LSSYHNFYSI[Arg730His]GAEVSFGCGV